The following is an entry in ClinVar:

ClinVar aggregate classification (germline): Uncertain significance (1 of 4 stars; one submission).

gnomAD v4.1: 1 of 1,541,166 alleles (0.000065%); highest among the groups gnomAD compares: Non-Finnish European, 0.000087%; no homozygotes.

Submission:

Labcorp Genetics (formerly Invitae), Labcorp
Classification: Uncertain significance. Last evaluated: 2026-02-01. Review status: criteria provided, single submitter. Criteria: Invitae Variant Classification Sherloc (09022015). Collection method: clinical testing. Allele origin: germline.
Comment: This sequence change replaces valine, which is neutral and non-polar, with isoleucine, which is neutral and non-polar, at codon 449 of the RASA2 protein (p.Val449Ile). This variant is not present in population databases (gnomAD no frequency). This variant has not been reported in the literature in individuals affected with RASA2-related conditions. ClinVar contains an entry for this variant (Variation ID: 3664890). Invitae Evidence Modeling of protein sequence and biophysical properties (such as structural, functional, and spatial information, amino acid conservation, physicochemical variation, residue mobility, and thermodynamic stability) indicates that this missense variant is not expected to disrupt RASA2 protein function with a negative predictive value of 80%. In summary, the available evidence is currently insufficient to determine the role of this variant in disease. Therefore, it has been classified as a Variant of Uncertain Significance.

NM_006506.5(RASA2):c.1345G>A (p.Val449Ile)

Gene: RASA2 (RAS p21 protein activator 2; plus strand). Cytogenetic location: 3q23.
Variant type: single nucleotide variant.
Coding change: c.1345G>A on transcript NM_006506.5 (MANE Select); coding-DNA position 1345, G replaced by A.
Protein change: p.Val449Ile; replaces valine 449 with isoleucine.
Molecular consequence: missense variant.
Genome position (GRCh38, 1-based): chr3:141,573,207, G>A. VCF-style: chr3-141573207-G-A. GRCh37 (hg19) VCF-style: chr3-141292049-G-A.
Other names: c.1345G>A, p.Val449Ile (NM_001303245.3, NM_001303246.3); short protein forms V449I.
Identifiers: ClinVar variation 3664890 (VCV003664890.2).